The following is an entry in ClinVar:

NM_014425.5(INVS):c.364A>C (p.Thr122Pro)

Gene: INVS (inversin; plus strand). Cytogenetic location: 9q31.1.
Variant type: single nucleotide variant.
Coding change: c.364A>C on transcript NM_014425.5 (MANE Select); coding-DNA position 364, A replaced by C.
Protein change: p.Thr122Pro; replaces threonine 122 with proline.
Molecular consequence: missense variant. On other transcripts: 5 prime UTR variant (1), non-coding transcript variant (1).
Genome position (GRCh38, 1-based): chr9:100,226,152, A>C. VCF-style: chr9-100226152-A-C. GRCh37 (hg19) VCF-style: chr9-102988434-A-C.
Other names: c.76A>C, p.Thr26Pro (NM_001318381.2); c.-626A>C (NM_001318382.2); c.364A>C (NM_014425.4); short protein forms T122P, T26P.
Identifiers: ClinVar variation 3596140 (VCV003596140.3).

ClinVar aggregate classification (germline): Uncertain significance. Review status: criteria provided, multiple submitters, no conflicts (2 of 4 stars). 3 submissions from 3 submitters: Uncertain significance (3). Last evaluated 2025-12-14.

Conditions:
Nephronophthisis. Also called: Juvenile Nephronophthisis. Identifiers: Orphanet 655, MedGen C0687120, MONDO:0019005, HP:0000090.
Infantile nephronophthisis (NPHP2). Also called: Nephronophthisis 2, infantile; Nephronophthisis 2. Identifiers: Orphanet 655, Orphanet 93591, MedGen C1865872, MONDO:0011190, OMIM 602088.
INVS-related disorder. Also called: INVS-related condition.

gnomAD v4.1: 30 of 1,613,874 alleles (0.0019%); highest among the groups gnomAD compares: Non-Finnish European, 0.0025%; no homozygotes.

Submissions (3):

PreventionGenetics, part of Exact Sciences
Classification: Uncertain significance for INVS-related condition. Last evaluated: 2025-12-14. Review status: criteria provided, single submitter. Criteria: ACMG Guidelines, 2015. Collection method: clinical testing. Allele origin: germline.
Comment: The INVS c.364A>C variant is predicted to result in the amino acid substitution p.Thr122Pro. To our knowledge, this variant has not been reported in the literature. This variant is reported in 0.0018% of alleles in individuals of European (Non-Finnish) descent in gnomAD. At this time, the clinical significance of this variant is uncertain due to the absence of conclusive functional and genetic evidence.

Labcorp Genetics (formerly Invitae), Labcorp
Classification: Uncertain significance for Nephronophthisis. Last evaluated: 2025-11-25. Review status: criteria provided, single submitter. Criteria: Invitae Variant Classification Sherloc (09022015). Collection method: clinical testing. Allele origin: germline.
Comment: This sequence change replaces threonine, which is neutral and polar, with proline, which is neutral and non-polar, at codon 122 of the INVS protein (p.Thr122Pro). This variant is present in population databases (rs560851395, gnomAD 0.002%). This variant has not been reported in the literature in individuals affected with INVS-related conditions. ClinVar contains an entry for this variant (Variation ID: 3596140). An algorithm developed to predict the effect of missense changes on protein structure and function (PolyPhen-2) suggests that this variant is likely to be disruptive. In summary, the available evidence is currently insufficient to determine the role of this variant in disease. Therefore, it has been classified as a Variant of Uncertain Significance.

Fulgent Genetics
Classification: Uncertain significance for Infantile nephronophthisis. Last evaluated: 2024-02-14. Review status: criteria provided, single submitter. Criteria: ACMG Guidelines, 2015. Collection method: clinical testing. Allele origin: germline.